The following is an entry in ClinVar:

NM_004312.3(ARR3):c.193G>T (p.Glu65Ter)

Gene: ARR3 (arrestin 3; plus strand). Cytogenetic location: Xq13.1.
Variant type: single nucleotide variant.
Coding change: c.193G>T on transcript NM_004312.3 (MANE Select); coding-DNA position 193, G replaced by T.
Protein change: p.Glu65Ter; replaces glutamic acid 65 with a stop codon.
Molecular consequence: nonsense.
Genome position (GRCh38, 1-based): chrX:70,276,129, G>T. VCF-style: chrX-70276129-G-T. GRCh37 (hg19) VCF-style: chrX-69495979-G-T.
Other names: short protein forms E65*.
Identifiers: ClinVar variation 3234786 (VCV003234786.20), dbSNP rs752013986, ClinGen allele CA413475083.

ClinVar aggregate classification (germline): Pathogenic (1 of 4 stars; one submission).

Submission:

CeGaT Center for Human Genetics Tuebingen
Classification: Pathogenic. Last evaluated: 2024-04-01. Review status: criteria provided, single submitter. Criteria: CeGaT Center For Human Genetics Tuebingen Variant Classification Criteria Version 2. Collection method: clinical testing. Allele origin: germline. Affected: yes. Observed: 1 variant allele.
Comment: ARR3: PVS1, PM2